The following is an entry in ClinVar:

NM_001303052.2(MYT1L):c.2931G>A (p.Gly977=)

Gene: MYT1L (myelin transcription factor 1 like; minus strand). Cytogenetic location: 2p25.3.
Variant type: single nucleotide variant.
Coding change: c.2931G>A on transcript NM_001303052.2 (MANE Select); coding-DNA position 2931, G replaced by A.
Protein change: p.Gly977=; no amino-acid change (glycine 977 retained).
Molecular consequence: synonymous variant.
Genome position (GRCh38, 1-based): chr2:1,839,298, C>T on the plus strand (G>A on the coding strand, the complement: MYT1L is on the minus strand). VCF-style: chr2-1839298-C-T. GRCh37 (hg19) VCF-style: chr2-1843070-C-T.
Other names: c.2931G>A, p.Gly977= (NM_001329844.2, NM_001329845.1, NM_001329851.3); c.2925G>A, p.Gly975= (NM_001329846.3, NM_001329847.2, NM_001329848.1 and 3 more transcripts).
Identifiers: ClinVar variation 2650623 (VCV002650623.24), dbSNP rs2550341204, ClinGen allele CA424757939.

ClinVar aggregate classification (germline): Likely benign (1 of 4 stars; one submission).

Allele frequency attached by ClinVar (database versions not stated): gnomAD exomes below 0.00001.
gnomAD v4.1: 1 of 1,613,684 alleles (0.000062%); highest among the groups gnomAD compares: Non-Finnish European, 0.000085%; no homozygotes.

Submission:

CeGaT Center for Human Genetics Tuebingen
Classification: Likely benign. Last evaluated: 2023-05-01. Review status: criteria provided, single submitter. Criteria: CeGaT Center For Human Genetics Tuebingen Variant Classification Criteria Version 2. Collection method: clinical testing. Allele origin: germline. Affected: yes. Observed: 1 variant allele.
Comment: MYT1L: PM2:Supporting, BP4, BP7